The following is an entry in ClinVar:

NM_003238.6(TGFB2):c.958C>T (p.Arg320Cys)

Gene: TGFB2 (transforming growth factor beta 2; plus strand). Cytogenetic location: 1q41.
Variant type: single nucleotide variant.
Coding change: c.958C>T on transcript NM_003238.6 (MANE Select); coding-DNA position 958, C replaced by T.
Protein change: p.Arg320Cys; replaces arginine 320 with cysteine.
Molecular consequence: missense variant. On other transcripts: non-coding transcript variant (2).
Genome position (GRCh38, 1-based): chr1:218,437,368, C>T. VCF-style: chr1-218437368-C-T. GRCh37 (hg19) VCF-style: chr1-218610710-C-T.
Other names: c.1042C>T, p.Arg348Cys (NM_001135599.4); c.958C>T (NM_003238.4); short protein forms R348C, R320C.
Identifiers: ClinVar variation 495213 (VCV000495213.32), dbSNP rs1553303352, ClinGen allele CA344727446.

ClinVar aggregate classification (germline): Pathogenic/Likely pathogenic. Review status: criteria provided, multiple submitters, no conflicts (2 of 4 stars). 9 submissions from 9 submitters: Pathogenic (2); Likely pathogenic (6). 1 of the submissions does not count toward it. Last evaluated 2026-09-10.

Conditions:
TGFB2-related disorder. Also called: TGFB2-related condition.
Loeys-Dietz syndrome 4 (LDS4). Also called: TGFB2-Related Loeys-Dietz Syndrome; ANEURYSM, AORTIC AND CEREBRAL, WITH ARTERIAL TORTUOSITY AND SKELETAL MANIFESTATIONS. Identifiers: MedGen C3553762, MONDO:0013897, OMIM 614816.
Familial thoracic aortic aneurysm and aortic dissection (TAAD). Also called: Thoracic aortic aneurysms and dissections. Identifiers: Orphanet 91387, MedGen C4707243, MONDO:0019625.

gnomAD v4.1: 3 of 1,604,062 alleles (0.00019%); highest among the groups gnomAD compares: African/African-American, 0.0014%; no homozygotes.

Submissions (9):

GeneDx
Classification: Likely pathogenic. Last evaluated: 2026-09-10. Review status: criteria provided, single submitter. Criteria: GeneDx Variant Classification Process June 2021. Collection method: clinical testing. Allele origin: germline.
Comment: Reported in two unrelated individuals with non-syndromic aortic disease and Loeys-Dietz syndrome type 4 (LDS4) (also reported as p.(R348C) due to alternate nomenclature), and segregates with disease in affected family members from these two families (PMID: 27782106, 25046559); Identified in a patient with atrioventricular septal defect in the published literature (PMID: 41579197); Not observed at significant frequency in large population cohorts (gnomAD); In silico analysis supports that this missense variant has a deleterious effect on protein structure/function; This variant is associated with the following publications: (PMID: 25046559, 27782106, 41579197)

Labcorp Genetics (formerly Invitae), Labcorp
Classification: Pathogenic for Loeys-Dietz syndrome 4. Last evaluated: 2025-12-23. Review status: criteria provided, single submitter. Criteria: Invitae Variant Classification Sherloc (09022015). Collection method: clinical testing. Allele origin: germline.
Comment: This sequence change replaces arginine, which is basic and polar, with cysteine, which is neutral and slightly polar, at codon 320 of the TGFB2 protein (p.Arg320Cys). This variant is not present in population databases (gnomAD no frequency). This missense change has been observed in individuals with clinical features of TGFB2-related conditions (PMID: 25046559, 27782106; internal data). It has also been observed to segregate with disease in related individuals. ClinVar contains an entry for this variant (Variation ID: 495213). Invitae Evidence Modeling of protein sequence and biophysical properties (such as structural, functional, and spatial information, amino acid conservation, physicochemical variation, residue mobility, and thermodynamic stability) indicates that this missense variant is expected to disrupt TGFB2 protein function with a positive predictive value of 80%. For these reasons, this variant has been classified as Pathogenic.

Ambry Genetics
Classification: Likely pathogenic for Familial thoracic aortic aneurysm and aortic dissection. Last evaluated: 2025-08-28. Review status: criteria provided, single submitter. Criteria: Ambry Variant Classification Scheme 2023. Collection method: clinical testing. Allele origin: germline.
Comment: The c.958C>T (p.R320C) alteration is located in exon 6 (coding exon 6) of the TGFB2 gene. This alteration results from a C to T substitution at nucleotide position 958, causing the arginine (R) at amino acid position 320 to be replaced by a cysteine (C). This variant was not reported in population-based cohorts in the Genome Aggregation Database (gnomAD). This variant (also referred to as NM_001135599.2:c.1042C>T, p.R348C) was reported in unrelated individuals with thoracic aortic aneurysm and dissection with and without mild systemic connective tissue disease features, and segregated with disease in families (Gago-D&iacute;az, 2014; Al Maskari, 2016; Ambry internal data). This amino acid position is highly conserved in available vertebrate species. This alteration is predicted to be deleterious by in silico analysis. Based on the available evidence, this alteration is classified as likely pathogenic.

PreventionGenetics, part of Exact Sciences
Classification: Likely pathogenic for TGFB2-related condition. Last evaluated: 2024-12-04. Review status: criteria provided, single submitter. Criteria: ACMG Guidelines, 2015. Collection method: clinical testing. Allele origin: germline.
Comment: The TGFB2 c.958C>T variant is predicted to result in the amino acid substitution p.Arg320Cys. This variant has been reported in two unrelated individuals with aortic aneurysms and dissections, which are characteristic features of Loeys-Dietz syndrome, type 4 (reported as c.1042C>T, p.Arg348Cys in Gago-Díaz et al. 2014. PubMed ID: 25046559; Al Maskari et al. 2016. PubMed ID: 27782106). This variant is found in a highly conserved region of the TGFB2 protein, and was shown to segregate with disease in both families. Immunofluorescence experiments noted increased TGFB2 and TGFB1 protein levels compared to controls in the aorta of an affected individual (Al Maskari et al. 2016. PubMed ID: 27782106). Enhanced TGFB signaling is believed to play a role in aortic dilation and aneurysms. An alternate nucleotide change affecting the same amino acid (p.Arg348His in NM_001135599.3) was found in another individual with Loeys-Dietz syndrome (Table 2, Haug et al. 2021. PubMed ID: 33418956). This variant has not been reported in a large population database, indicating this variant is rare. This variant has interpretations of likely pathogenic (3) and pathogenic (2) in ClinVar. This variant is interpreted as likely pathogenic.

Institute of Human Genetics, University of Leipzig Medical Center
Classification: Likely pathogenic for Loeys-Dietz syndrome 4. Last evaluated: 2024-10-29. Review status: criteria provided, single submitter. Criteria: ACMG Guidelines, 2015. Collection method: clinical testing. Allele origin: unknown. Inheritance: Autosomal dominant inheritance. Affected: yes.
Comment: Criteria applied: PS4_MOD,PM2_SUP,PM5_SUP,PP3,PP4

Blueprint Genetics
Classification: Pathogenic for TGFB2-related disorders. Last evaluated: 2022-02-07. Review status: criteria provided, single submitter. Criteria: ACMG Guidelines, 2015. Collection method: clinical testing. Allele origin: germline. Affected: yes. Observed: 1 variant allele.

ARUP Laboratories, Molecular Genetics and Genomics, ARUP Laboratories
Classification: Likely pathogenic for Loeys-Dietz syndrome 4. Last evaluated: 2019-05-28. Review status: criteria provided, single submitter. Criteria: ARUP Molecular Germline Variant Investigation Process. Collection method: clinical testing. Allele origin: germline.
Comment: The TGFB2 c.958C>T; p.Arg320Cys variant (rs1553303352), also known as p.Arg348Cys using alternative nomenclature, is reported in the literature in multiple individuals affected with aortic aneurysm or dissection (Al Maskari 2016, Gago-Diaz 2014). This variant was observed to cosegregate with disease in multiple affected individuals in at least two families, although its detection in some unaffected relatives suggests it may exhibit incomplete penetrance (Al Maskari 2016, Gago-Diaz 2014). This variant is absent from general population databases (Exome Variant Server, Genome Aggregation Database), indicating it is not a common polymorphism, and it is reported in ClinVar (Variation ID: 495213). The arginine at codon 320 is highly conserved, and computational analyses (SIFT, PolyPhen-2) predict that this variant is deleterious. Additionally, immunoblotting and immunofluorescence of aortic tissue from an affected individual with this variant exhibited substantially increased levels of TGFB1 and TGFB2 protein compared to unaffected controls (Al Maskari 2016). An increase in TGFB2 in affected aortic tissue may be an indirect effect of haploinsufficiency in aortic disease (Boileau 2012). Based on available information, this variant is considered to be likely pathogenic. References: Al Maskari R et al. A missense TGFB2 variant p.(Arg320Cys) causes a paradoxical and striking increase in aortic TGFB1/2 expression. Eur J Hum Genet. 2016 Jan;25(1):157-160. Boileau C et al. TGFB2 mutations cause familial thoracic aortic aneurysms and dissections associated with mild systemic features of Marfan syndrome. Nat Genet. 2012 Jul 8;44(8):916-21. Gago-Diaz M et al. Whole exome sequencing for the identification of a new mutation in TGFB2 involved in a familial case of non-syndromic aortic disease. Clin Chim Acta. 2014 Nov 1;437:88-92.

3billion
Classification: Likely pathogenic for Loeys-Dietz syndrome 4. Review status: criteria provided, single submitter. Criteria: ACMG Guidelines, 2015. Collection method: clinical testing. Allele origin: unknown. Affected: yes. Observed: 1 heterozygote.
Comment: The variant is not observed in the gnomAD v2.1.1 dataset. Protein truncation variants are a common disease-causing mechanism. In silico tool predictions suggest damaging effect of the variant on gene or gene product (REVEL: 0.98; 3Cnet: 0.98). Same nucleotide change resulting in same amino acid change has been previously reported as pathogenic/likely pathogenic with strong evidence (ClinVar ID: VCV000495213 / PMID: 25046559). A different missense change at the same codon (p.Arg320His) has been reported to be associated with TGFB2 related disorder (PMID: 33418956). Therefore, this variant is classified as Likely pathogenic according to the recommendation of ACMG/AMP guideline.

OMIM
Classification: Pathogenic for LOEYS-DIETZ SYNDROME 4. Last evaluated: 2018-03-06. Review status: no assertion criteria provided. Collection method: literature only. Allele origin: germline. Not counted in ClinVar's aggregate classification.

Literature cited by the submitters: PubMed 25046559 (cited by 4 submitters); PubMed 27782106 (cited by Labcorp Genetics (formerly Invitae), Labcorp and Ambry Genetics); PubMed 33418956 (cited by 3billion).